The following is an entry in ClinVar:

NM_001035.3(RYR2):c.202G>C (p.Val68Leu)

Gene: RYR2 (ryanodine receptor 2; plus strand). Cytogenetic location: 1q43.
Variant type: single nucleotide variant.
Coding change: c.202G>C on transcript NM_001035.3 (MANE Select); coding-DNA position 202, G replaced by C.
Protein change: p.Val68Leu; replaces valine 68 with leucine.
Molecular consequence: missense variant.
Genome position (GRCh38, 1-based): chr1:237,330,911, G>C. VCF-style: chr1-237330911-G-C. GRCh37 (hg19) VCF-style: chr1-237494211-G-C.
Other names: short protein forms V68L.
Identifiers: ClinVar variation 2070340 (VCV002070340.4), dbSNP rs752526125, ClinGen allele CA085946.

ClinVar aggregate classification (germline): Uncertain significance (1 of 4 stars; one submission).

Conditions:
Catecholaminergic polymorphic ventricular tachycardia 1. Also called: RYR2-Related Catecholaminergic Polymorphic Ventricular Tachycardia; VENTRICULAR TACHYCARDIA, STRESS-INDUCED POLYMORPHIC 1; VENTRICULAR TACHYCARDIA, CATECHOLAMINERGIC POLYMORPHIC, 1, WITH OR WITHOUT ATRIAL DYSFUNCTION AND/OR DILATED CARDIOMYOPATHY. Identifiers: Orphanet 3286, MedGen C1631597, MONDO:0011484, OMIM 604772.

Allele frequency attached by ClinVar (database versions not stated): gnomAD exomes below 0.00001; ExAC 0.00001.
gnomAD v4.1: 2 of 1,613,978 alleles (0.00012%); highest among the groups gnomAD compares: Admixed American, 0.0017%; no homozygotes.

Submission:

Labcorp Genetics (formerly Invitae), Labcorp
Classification: Uncertain significance for Catecholaminergic polymorphic ventricular tachycardia 1. Last evaluated: 2025-04-17. Review status: criteria provided, single submitter. Criteria: Invitae Variant Classification Sherloc (09022015). Collection method: clinical testing. Allele origin: germline.
Comment: This sequence change replaces valine, which is neutral and non-polar, with leucine, which is neutral and non-polar, at codon 68 of the RYR2 protein (p.Val68Leu). This variant is present in population databases (rs752526125, gnomAD 0.003%). This variant has not been reported in the literature in individuals affected with RYR2-related conditions. ClinVar contains an entry for this variant (Variation ID: 2070340). Invitae Evidence Modeling of protein sequence and biophysical properties (such as structural, functional, and spatial information, amino acid conservation, physicochemical variation, residue mobility, and thermodynamic stability) has been performed for this missense variant. However, the output from this modeling did not meet the statistical confidence thresholds required to predict the impact of this variant on RYR2 protein function. In summary, the available evidence is currently insufficient to determine the role of this variant in disease. Therefore, it has been classified as a Variant of Uncertain Significance.